The following is an entry in ClinVar:

ClinVar aggregate classification (germline): Uncertain significance (1 of 4 stars; one submission).

Conditions:
Visceral neuropathy, familial, 1, autosomal recessive (VSCN1). Identifiers: Orphanet 99811, MedGen C1855733, MONDO:8000011, OMIM 243180.
Erythroleukemia, familial, susceptibility to. Also called: DI GUGLIELMO DISEASE, FAMILIAL; Acute erythroleukemia, familial. Identifiers: Orphanet 318, MedGen C5552985, MONDO:0007573, OMIM 133180.
Lethal congenital contracture syndrome 2 (LCCS2). Also called: Lethal congenital contractural syndrome 2; MULTIPLE CONTRACTURE SYNDROME, ISRAELI BEDOUIN TYPE A. Identifiers: Orphanet 137776, MedGen C1843478, MONDO:0011868, OMIM 607598.

gnomAD v4.1: 18 of 1,614,088 alleles (0.0011%); highest among the groups gnomAD compares: East Asian, 0.033%; no homozygotes.

Submission:

Juno Genomics, Hangzhou Juno Genomics, Inc
Classification: Uncertain significance for Visceral neuropathy, familial, 1, autosomal recessive; Lethal congenital contracture syndrome 2; Erythroleukemia, familial, susceptibility to. Review status: criteria provided, single submitter. Criteria: ACMG Guidelines, 2015. Collection method: clinical testing. Allele origin: germline.
Comment: Missense variant in a gene that has a low rate of benign missense variation.;Multiple lines of computational evidence support a deleterious effect on the gene or gene product.;Absent from controls (or at extremely low frequency if recessive) in Genome Aggregation Database.

NM_001982.4(ERBB3):c.2339G>A (p.Gly780Glu)

Gene: ERBB3 (erb-b2 receptor tyrosine kinase 3; plus strand). Cytogenetic location: 12q13.2.
Variant type: single nucleotide variant.
Coding change: c.2339G>A on transcript NM_001982.4 (MANE Select); coding-DNA position 2339, G replaced by A.
Protein change: p.Gly780Glu; replaces glycine 780 with glutamic acid.
Molecular consequence: missense variant.
Genome position (GRCh38, 1-based): chr12:56,097,109, G>A. VCF-style: chr12-56097109-G-A. GRCh37 (hg19) VCF-style: chr12-56490893-G-A.
Other names: short protein forms G780E.
Identifiers: ClinVar variation 5005136 (VCV005005136.2).